The following is an entry in ClinVar:

ClinVar aggregate classification (germline): Uncertain significance (1 of 4 stars; one submission).

Conditions:
Cardiac arrhythmia. Also called: Arrhythmia; Cardiac rhythm disease. Identifiers: MedGen C0003811, MONDO:0007263, HP:0011675.

Submission:

Color Diagnostics, LLC DBA Color Health
Classification: Uncertain significance for Cardiac arrhythmia. Last evaluated: 2025-06-09. Review status: criteria provided, single submitter. Criteria: ACMG Guidelines, 2015. Collection method: clinical testing. Allele origin: germline.
Comment: This missense variant replaces proline with leucine at codon 938 of the KCNH2 protein. Computational prediction is inconclusive regarding the impact of this variant on protein structure and function. To our knowledge, functional studies have not been reported for this variant. This variant has not been reported in individuals affected with KCNH2-related disorders in the literature. This variant has not been identified in the general population by the Genome Aggregation Database (gnomAD). The available evidence is insufficient to determine the role of this variant in disease conclusively. Therefore, this variant is classified as a Variant of Uncertain Significance.

NM_000238.4(KCNH2):c.2813C>T (p.Pro938Leu)

Gene: KCNH2 (potassium voltage-gated channel subfamily H member 2; minus strand). Cytogenetic location: 7q36.1.
Variant type: single nucleotide variant.
Coding change: c.2813C>T on transcript NM_000238.4 (MANE Select); coding-DNA position 2813, C replaced by T.
Protein change: p.Pro938Leu; replaces proline 938 with leucine.
Molecular consequence: missense variant.
Genome position (GRCh38, 1-based): chr7:150,947,758, G>A on the plus strand (C>T on the coding strand, the complement: KCNH2 is on the minus strand). VCF-style: chr7-150947758-G-A. GRCh37 (hg19) VCF-style: chr7-150644846-G-A.
Other names: c.2525C>T, p.Pro842Leu (NM_001406753.1); c.1793C>T, p.Pro598Leu (NM_172057.3); short protein forms P598L, P842L, P938L.
Identifiers: ClinVar variation 4756878 (VCV004756878.1).